The following is an entry in ClinVar:

ClinVar aggregate classification (germline): Uncertain significance (1 of 4 stars; one submission).

Conditions:
Epidermodysplasia verruciformis. Identifiers: Orphanet 302, MedGen C0014522, MONDO:0009176.

Allele frequency attached by ClinVar (database versions not stated): gnomAD exomes 0.00001 and 0.00002; gnomAD 0.00002; ExAC 0.00004; TOPMed 0.00004.
gnomAD v4.1: 14 of 1,568,856 alleles (0.00089%); highest among the groups gnomAD compares: Admixed American, 0.0037%; no homozygotes.

Submission:

Labcorp Genetics (formerly Invitae), Labcorp
Classification: Uncertain significance for Epidermodysplasia verruciformis. Last evaluated: 2024-09-30. Review status: criteria provided, single submitter. Criteria: Invitae Variant Classification Sherloc (09022015). Collection method: clinical testing. Allele origin: germline.
Comment: This sequence change replaces proline, which is neutral and non-polar, with serine, which is neutral and polar, at codon 137 of the TMC6 protein (p.Pro137Ser). This variant is present in population databases (rs758391457, gnomAD 0.004%). This variant has not been reported in the literature in individuals affected with TMC6-related conditions. ClinVar contains an entry for this variant (Variation ID: 964841). An algorithm developed to predict the effect of missense changes on protein structure and function outputs the following: PolyPhen-2: "Benign". The serine amino acid residue is found in multiple mammalian species, which suggests that this missense change does not adversely affect protein function. In summary, the available evidence is currently insufficient to determine the role of this variant in disease. Therefore, it has been classified as a Variant of Uncertain Significance.

NM_001127198.5(TMC6):c.409C>T (p.Pro137Ser)

Gene: TMC6 (transmembrane channel like 6; minus strand). Cytogenetic location: 17q25.3.
Variant type: single nucleotide variant.
Coding change: c.409C>T on transcript NM_001127198.5 (MANE Select); coding-DNA position 409, C replaced by T.
Protein change: p.Pro137Ser; replaces proline 137 with serine.
Molecular consequence: missense variant.
Genome position (GRCh38, 1-based): chr17:78,125,747, G>A on the plus strand (C>T on the coding strand, the complement: TMC6 is on the minus strand). VCF-style: chr17-78125747-G-A. GRCh37 (hg19) VCF-style: chr17-76121828-G-A.
Other names: c.409C>T, p.Pro137Ser (NM_001321185.1, NM_001374593.1, NM_001374594.1 and 4 more transcripts); short protein forms P137S.
Identifiers: ClinVar variation 964841 (VCV000964841.6), dbSNP rs758391457, ClinGen allele CA8796140.
Genomic context (GRCh38, chr17:78,125,747, plus strand): 5'-CGGTGTCCGCCACTGGGGCTCCAGTGCCCACTCACTCACCCTCCTCCTCCAGGGCCGTGG[G>A]GTCCAGCTCCAGGTCGTACAGGCGGAGGCTGGGCCAGGCGGAGCGGACAAAGTTCCCGAG-3'
Protein context (NP_001120670.1, residues 127-147): SLRLYDLELD[Pro137Ser]TALEEEEKQS